The following is an entry in ClinVar:

NM_000016.6(ACADM):c.616C>T (p.Arg206Cys)

Gene: ACADM (acyl-CoA dehydrogenase medium chain; plus strand). Cytogenetic location: 1p31.1.
Variant type: single nucleotide variant.
Coding change: c.616C>T on transcript NM_000016.6 (MANE Select); coding-DNA position 616, C replaced by T.
Protein change: p.Arg206Cys; replaces arginine 206 with cysteine.
Molecular consequence: missense variant.
Genome position (GRCh38, 1-based): chr1:75,745,822, C>T. VCF-style: chr1-75745822-C-T. GRCh37 (hg19) VCF-style: chr1-76211507-C-T.
Other names: p.R206C:CGT>TGT; c.628C>T, p.Arg210Cys (NM_001127328.3); c.508C>T, p.Arg170Cys (NM_001286042.2); c.715C>T, p.Arg239Cys (NM_001286043.2); c.49C>T, p.Arg17Cys (NM_001286044.2); c.508C>T (NM_001286042.1); short protein forms R210C, R17C, R170C, R239C.
Identifiers: ClinVar variation 92267 (VCV000092267.61), dbSNP rs373715782, ClinGen allele CA275410.

ClinVar aggregate classification (germline): Pathogenic/Likely pathogenic. Review status: criteria provided, multiple submitters, no conflicts (2 of 4 stars). 17 submissions from 17 submitters: Pathogenic (13); Likely pathogenic (2). 2 of the submissions do not count toward it. Last evaluated 2026-08-06.

Conditions:
ACADM-related disorder. Also called: ACADM-related condition.
Medium-chain acyl-coenzyme A dehydrogenase deficiency (ACADMD). Also called: MCAD Deficiency; MCADH DEFICIENCY; MCADD; Medium chain acyl-CoA dehydrogenase deficiency; ACADM DEFICIENCY; CARNITINE DEFICIENCY SECONDARY TO MEDIUM-CHAIN ACYL-CoA DEHYDROGENASE DEFICIENCY. Identifiers: Orphanet 42, MedGen C0220710, MONDO:0008721, OMIM 201450.

Allele frequency attached by ClinVar (database versions not stated): gnomAD exomes 0.00003 and 0.00002; gnomAD 0.00001; ESP Exome Variant Server 0.00008; TOPMed 0.00002.
gnomAD v4.1: 45 of 1,613,298 alleles (0.0028%); highest among the groups gnomAD compares: Admixed American, 0.0033%; no homozygotes.

Submissions (17):

Department of Molecular Genetics, Istishari Arab Hospital
Classification: Pathogenic for Medium-chain acyl-coenzyme A dehydrogenase deficiency. Last evaluated: 2026-08-06. Review status: criteria provided, single submitter. Criteria: ACMG Guidelines, 2015. Collection method: clinical testing. Allele origin: germline. Inheritance: Autosomal recessive inheritance. Affected: yes.
Comment: The ACADM variant c.616C>T, p.Arg206Cys creates an amino acid change from Arg to Cys at codon 206 in exon 8 (out of 12 exons). The variant is observed with very low frequency in the gnomAD v4.1.0 dataset (<0.001). This variant was previously reported in patients with Acyl-CoA dehydrogenase (PMID: 10767181, 15832312, 16291504, 19224950, 20434380, 23028790, 24718418). It is classified as pathogenic according to the recommendations of ACMG/AMP/ClinGen SVI guidelines.

CeGaT Center for Human Genetics Tuebingen
Classification: Pathogenic. Last evaluated: 2026-08-01. Review status: criteria provided, single submitter. Criteria: CeGaT Center For Human Genetics Tuebingen Variant Classification Criteria Version 2. Collection method: clinical testing. Allele origin: germline. Affected: yes. Observed: 7 variant alleles.
Comment: ACADM: PM3:Very Strong, PM2, PM5, PP4:Moderate, PS3:Supporting

Natera, Inc.
Classification: Pathogenic for Medium Chain Acyl-CoA Dehydrogenase Deficiency. Last evaluated: 2025-10-21. Review status: criteria provided, single submitter. Criteria: Natera Variant Classification Schema (03/2026). Collection method: clinical testing. Allele origin: germline.
Comment: The c.616C>T variant in ACADM is a missense variant predicted to cause substitution of arginine to cysteine at amino acid 206. This variant is rare in the general population with a frequency below the threshold expected for the associated phenotype(s). This variant has been observed in one or more individuals affected with the associated recessive disease, as either homozygous or compound heterozygous with a second variant (PMID: 20434380, 33580884). A different variant at the same position has been determined to be Pathogenic or Likely Pathogenic. Computational prediction algorithms indicate this variant is likely to affect gene or protein function. Given the available evidence, this variant is classified as Pathogenic.

Otogenetics
Classification: Pathogenic for Medium-chain acyl-coenzyme A dehydrogenase deficiency. Last evaluated: 2025-10-13. Review status: criteria provided, single submitter. Criteria: ACMG Guidelines, 2015. Collection method: clinical testing. Allele origin: germline.
Comment: PS3: Well-established in vitro and in vivo functional studies supportive of damaging effect on the gene product (PMID: 24718418); PM2: Maximum gnomAD MAF of 0.0065% in South Asian (SAS) subpopulation (<0.232% threshold); PM3_VeryStrong: Variant reported in homozygous state in one patient and in trans with three other pathogenic variants in three patients affected with medium-chain acyl-coA dehydrogenase (MCAD) deficiency (PMID: 15832312, 20434380, 30675864); PM5: Pathogenic missense amino acid change occurs in same position: c.617G>A; p.Arg206His and c.617G>T; p.Arg206Leu (PMID: 10767181, 20434380); PP3: In-silico models predict deleterious effect (Revel = 0.95, BayesDel = 0.57)

Labcorp Genetics (formerly Invitae), Labcorp
Classification: Pathogenic for Medium-chain acyl-coenzyme A dehydrogenase deficiency. Last evaluated: 2025-09-26. Review status: criteria provided, single submitter. Criteria: Invitae Variant Classification Sherloc (09022015). Collection method: clinical testing. Allele origin: germline.
Comment: This sequence change replaces arginine, which is basic and polar, with cysteine, which is neutral and slightly polar, at codon 206 of the ACADM protein (p.Arg206Cys). This variant is present in population databases (rs373715782, gnomAD 0.006%). This missense change has been observed in individuals with medium-chain acyl-CoA dehydrogenase deficiency (PMID: 15832312, 16291504, 20434380, 23028790). This variant is also known as Arg181Cys. ClinVar contains an entry for this variant (Variation ID: 92267). Invitae Evidence Modeling of protein sequence and biophysical properties (such as structural, functional, and spatial information, amino acid conservation, physicochemical variation, residue mobility, and thermodynamic stability) indicates that this missense variant is expected to disrupt ACADM protein function with a positive predictive value of 80%. Experimental studies have shown that this missense change affects ACADM function (PMID: 19224950, 24718418). Algorithms developed to predict the effect of sequence changes on RNA splicing suggest that this variant may disrupt the consensus splice site. This variant disrupts the p.Arg206 amino acid residue in ACADM. Other variant(s) that disrupt this residue have been determined to be pathogenic (PMID: 10767181). This suggests that this residue is clinically significant, and that variants that disrupt this residue are likely to be disease-causing. For these reasons, this variant has been classified as Pathogenic.

GeneDx
Classification: Pathogenic. Last evaluated: 2025-08-21. Review status: criteria provided, single submitter. Criteria: GeneDx Variant Classification Process June 2021. Collection method: clinical testing. Allele origin: germline. Affected: yes.
Comment: Observed multiple times with a pathogenic variant in unrelated patients with medium chain acyl-CoA dehydrogenase deficiency referred for genetic testing at GeneDx or in published literature, but it is not known whether the variants occurred on the same (in cis) or on different (in trans) alleles in some cases (PMID: 23028790); Published functional studies demonstrate a damaging effect with reduced residual enzyme activity compared to wildtype (PMID: 24718418, 19224950); Not observed at significant frequency in large population cohorts (gnomAD); In silico analysis supports that this missense variant has a deleterious effect on protein structure/function; In silico analysis suggests this variant may impact gene splicing. In the absence of RNA/functional studies, the actual effect of this sequence change is unknown.; Also known as p.(R181C); This variant is associated with the following publications: (PMID: 20434380, 24718418, 31589614, 32778825, 19224950, 16291504, 23028790, 25087612, 22975760, 30675864, 36068006, 38532509, 15832312)

PreventionGenetics, part of Exact Sciences
Classification: Pathogenic for ACADM-related condition. Last evaluated: 2025-02-19. Review status: criteria provided, single submitter. Criteria: ACMG Guidelines, 2015. Collection method: clinical testing. Allele origin: germline.
Comment: The ACADM c.616C>T variant is predicted to result in the amino acid substitution p.Arg206Cys. This variant is alternatively referred to as p.Arg181Cys in the literature. This variant has been reported in the homozygous or compound heterozygous states in multiple individuals with medium-chain acyl-CoA dehydrogenase deficiency (see for example: Maier et al. 2005. PubMed ID: 15832312; Waddell et al. 2005. PubMed ID: 16291504; Weiss et al. 2023. PubMed ID: 36840705). This variant is reported in 0.0065% of alleles in individuals of South Asian descent in gnomAD. In vitro experimental studies have supported a causative role for this variant (Maier et al. 2009. PubMed ID: 19224950; Jank et al. 2014. PubMed ID: 24718418). Alternate missense substitutions affecting the same amino acid (p.Arg206Leu and p.Arg206His) have been reported in individuals with medium-chain acyl-CoA dehydrogenase deficiency (Yang et al. 2000. PubMed ID: 10767181; Waddell et al. 2005. PubMed ID: 16291504; Hsu et al. 2008. PubMed ID: 18450854). In summary, we classify the c.616C>T (p.Arg206Cys) variant as pathogenic.

Baylor Genetics
Classification: Pathogenic for Medium-chain acyl-coenzyme A dehydrogenase deficiency. Last evaluated: 2024-03-29. Review status: criteria provided, single submitter. Criteria: ACMG Guidelines, 2015. Collection method: clinical testing. Allele origin: unknown.

Genomic Medicine Center of Excellence, King Faisal Specialist Hospital and Research Centre
Classification: Likely pathogenic for Medium-chain acyl-coenzyme A dehydrogenase deficiency. Last evaluated: 2024-03-26. Review status: criteria provided, single submitter. Criteria: ACMG Guidelines, 2015. Collection method: clinical testing. Allele origin: germline.

Blueprint Genetics
Classification: Pathogenic for ACADM-related disorders. Last evaluated: 2024-03-12. Review status: criteria provided, single submitter. Criteria: ACMG Guidelines, 2015. Collection method: clinical testing. Allele origin: germline. Affected: yes. Observed: 5 variant alleles.

Women's Health and Genetics/Laboratory Corporation of America, LabCorp
Classification: Pathogenic for Medium-chain acyl-coenzyme A dehydrogenase deficiency. Last evaluated: 2024-01-13. Review status: criteria provided, single submitter. Criteria: LabCorp Variant Classification Summary - May 2015. Collection method: clinical testing. Allele origin: germline.
Comment: Variant summary: ACADM c.616C>T (p.Arg206Cys) results in a non-conservative amino acid change located in the Acyl-CoA oxidase/dehydrogenase, middle domain (IPR006091) of the encoded protein sequence. Five of five in-silico tools predict a damaging effect of the variant on protein function. The variant allele was found at a frequency of 2.4e-05 in 251400 control chromosomes. c.616C>T has been reported in the literature at a compound heterozygous with different pathogenic variants in ACADM in multiple individuals affected with Medium Chain Acyl-CoA Dehydrogenase Deficiency or receiving ACADM newborn screening (examples, Maier_2005, Smith_2010, Sturm_2012, Waddell_2006). These data indicate that the variant is very likely to be associated with disease. To our knowledge, no experimental evidence demonstrating an impact on protein function has been reported. The following publications have been ascertained in the context of this evaluation (PMID: 15832312, 20434380, 23028790, 16291504). ClinVar contains an entry for this variant (Variation ID: 92267). Based on the evidence outlined above, the variant was classified as pathogenic.

Revvity Omics, Revvity
Classification: Pathogenic for Medium-chain acyl-coenzyme A dehydrogenase deficiency. Last evaluated: 2019-10-11. Review status: criteria provided, single submitter. Criteria: ACMG Guidelines, 2015. Collection method: clinical testing. Allele origin: germline.

Quest Diagnostics Nichols Institute San Juan Capistrano
Classification: Pathogenic. Last evaluated: 2018-06-07. Review status: criteria provided, single submitter. Criteria: Quest Diagnostics criteria. Collection method: clinical testing. Allele origin: germline.

ARUP Laboratories, Molecular Genetics and Genomics, ARUP Laboratories
Classification: Likely pathogenic. Last evaluated: 2017-06-26. Review status: criteria provided, single submitter. Criteria: ARUP Molecular Germline Variant Investigation Process. Collection method: clinical testing. Allele origin: germline.

Eurofins Ntd Llc (ga)
Classification: Pathogenic. Last evaluated: 2012-08-29. Review status: criteria provided, single submitter. Criteria: EGL Classification Definitions. Collection method: clinical testing. Allele origin: germline. Observed: 2 variant alleles, 2 heterozygotes.

Biochemical Molecular Genetic Laboratory, King Abdulaziz Medical City
Classification: Pathogenic for Medium-chain acyl-coenzyme A dehydrogenase deficiency. Last evaluated: 2020-11-12. Review status: no assertion criteria provided. Collection method: clinical testing. Allele origin: germline. Affected: yes. Not counted in ClinVar's aggregate classification.

Counsyl
Classification: Likely pathogenic for Medium-chain acyl-coenzyme A dehydrogenase deficiency. Last evaluated: 2015-11-17. Review status: no assertion criteria provided. Collection method: clinical testing. Allele origin: unknown. Not counted in ClinVar's aggregate classification.

Literature cited by the submitters: PubMed 10767181 (cited by 3 submitters); PubMed 15832312 (cited by 5 submitters); PubMed 16291504 (cited by 4 submitters); PubMed 19224950 (cited by 3 submitters); PubMed 20434380 (cited by 6 submitters); PubMed 23028790 (cited by 4 submitters); PubMed 24718418 (cited by 4 submitters); PubMed 33580884 (cited by Natera, Inc.); PubMed 30675864 (cited by Otogenetics).